The following is an entry in ClinVar:

ClinVar aggregate classification (germline): Uncertain significance (1 of 4 stars; one submission).

Conditions:
Leigh syndrome (NULS). Also called: Leigh's necrotizing encephalopathy; Leigh's disease; Leigh Syndrome (mtDNA deletion); Leigh Disease; Subacute necrotizing encephalopathy; Necrotizing encephalopathy infantile subacute of Leigh. Identifiers: Orphanet 506, MedGen C2931891, MONDO:0009723, OMIM 256000.

Submission:

Wong Mito Lab, Molecular and Human Genetics, Baylor College of Medicine
Classification: Uncertain significance for Leigh syndrome. Last evaluated: 2019-10-17. Review status: criteria provided, single submitter. Criteria: Modified ACMG Guidelines (Unpublished). Collection method: clinical testing. Allele origin: germline.
Comment: The NC_012920.1:m.6756T>C (YP_003024028.1:p.Phe285Leu) variant in MTCO1 gene is interpretated to be a Uncertain Significance variant based on the modified ACMG guidelines (unpublished). This variant meets the following evidence codes: PP3

NC_012920.1(MT-CO1):m.6756T>C

Gene: MT-CO1 (mitochondrially encoded cytochrome c oxidase I; plus strand).
Variant type: single nucleotide variant.
Genome position: chrM-6756-T-C.
Identifiers: ClinVar variation 692672 (VCV000692672.1), dbSNP rs1603220617, ClinGen allele CA414786134.